The following is an entry in ClinVar:

ClinVar aggregate classification (germline): Likely benign. Review status: criteria provided, multiple submitters, no conflicts (2 of 4 stars). 2 submissions from 2 submitters: Likely benign (2). Last evaluated 2026-03-01.

gnomAD v4.1: 53 of 1,613,584 alleles (0.0033%); highest among the groups gnomAD compares: South Asian, 0.0088%; no homozygotes.

Submissions (2):

CeGaT Center for Human Genetics Tuebingen
Classification: Likely benign. Last evaluated: 2026-03-01. Review status: criteria provided, single submitter. Criteria: CeGaT Center For Human Genetics Tuebingen Variant Classification Criteria Version 2. Collection method: clinical testing. Allele origin: germline. Affected: yes. Observed: 1 variant allele.
Comment: CYLD: BP4, BP7

Blueprint Genetics
Classification: Likely benign. Last evaluated: 2022-07-19. Review status: criteria provided, single submitter. Criteria: ACMG Guidelines, 2015. Collection method: clinical testing. Allele origin: germline.

NM_001378743.1(CYLD):c.648C>T (p.Tyr216=)

Gene: CYLD (CYLD lysine 63 deubiquitinase; plus strand). Cytogenetic location: 16q12.1.
Variant type: single nucleotide variant.
Coding change: c.648C>T on transcript NM_001378743.1 (MANE Select); coding-DNA position 648, C replaced by T.
Protein change: p.Tyr216=; no amino-acid change (tyrosine 216 retained).
Molecular consequence: synonymous variant. On other transcripts: 5 prime UTR variant (2), non-coding transcript variant (1).
Genome position (GRCh38, 1-based): chr16:50,751,747, C>T. VCF-style: chr16-50751747-C-T. GRCh37 (hg19) VCF-style: chr16-50785658-C-T.
Other names: c.648C>T, p.Tyr216= (NM_001042355.2, NM_001042412.3, NM_001378744.1 and 10 more transcripts); c.-19C>T (NM_001378754.1, NM_001378755.1).
Identifiers: ClinVar variation 4820984 (VCV004820984.5).